The following is an entry in ClinVar:

NM_001813.3(CENPE):c.2875-9C>A

Gene: CENPE (centromere protein E; minus strand). Cytogenetic location: 4q24.
Variant type: single nucleotide variant.
Coding change: c.2875-9C>A on transcript NM_001813.3 (MANE Select); 9 bases into the intron before coding-DNA position 2875, C replaced by A.
Molecular consequence: intron variant.
Genome position (GRCh38, 1-based): chr4:103,158,467, G>T on the plus strand (C>A on the coding strand, the complement: CENPE is on the minus strand). VCF-style: chr4-103158467-G-T. GRCh37 (hg19) VCF-style: chr4-104079624-G-T.
Other names: c.2800-9C>A (NM_001286734.2).
Identifiers: ClinVar variation 3044136 (VCV003044136.2), dbSNP rs772347636, ClinGen allele CA3030193.

ClinVar aggregate classification (germline): Likely benign (0 of 4 stars; one submission).

Conditions:
CENPE-related disorder. Also called: CENPE-related condition.

Allele frequency attached by ClinVar (database versions not stated): ExAC 0.00001.
gnomAD v4.1: 22 of 1,531,426 alleles (0.0014%); highest among the groups gnomAD compares: Admixed American, 0.039%; no homozygotes.

Submission:

PreventionGenetics, part of Exact Sciences
Classification: Likely benign for CENPE-related condition. Last evaluated: 2019-06-06. Review status: no assertion criteria provided. Collection method: clinical testing. Allele origin: germline.
Comment: This variant is classified as likely benign based on ACMG/AMP sequence variant interpretation guidelines (Richards et al. 2015 PMID: 25741868, with internal and published modifications).